The following is an entry in ClinVar:

NM_001127644.2(GABRA1):c.845G>C (p.Arg282Thr)

Gene: GABRA1 (gamma-aminobutyric acid type A receptor subunit alpha1; plus strand). Cytogenetic location: 5q34.
Variant type: single nucleotide variant.
Coding change: c.845G>C on transcript NM_001127644.2 (MANE Select); coding-DNA position 845, G replaced by C.
Protein change: p.Arg282Thr; replaces arginine 282 with threonine.
Molecular consequence: missense variant.
Genome position (GRCh38, 1-based): chr5:161,891,039, G>C. VCF-style: chr5-161891039-G-C. GRCh37 (hg19) VCF-style: chr5-161318045-G-C.
Other names: c.845G>C, p.Arg282Thr (NM_000806.5, NM_001127643.2, NM_001127645.2 and 1 more transcripts); short protein forms R282T.
Identifiers: ClinVar variation 4789488 (VCV004789488.1).

ClinVar aggregate classification (germline): Uncertain significance (1 of 4 stars; one submission).

Conditions:
Epilepsy, idiopathic generalized, susceptibility to, 13. Also called: EPILEPSY, JUVENILE MYOCLONIC, SUSCEPTIBILITY TO, 5. Identifiers: Orphanet 307, Orphanet 64280, MedGen C4013473, MONDO:0012627, OMIM 611136.
Epilepsy, childhood absence 4 (ECA4). Also called: EPILEPSY, CHILDHOOD ABSENCE, SUSCEPTIBILITY TO, 4. Identifiers: Orphanet 307, MedGen C1970160.
Idiopathic generalized epilepsy. Also called: Generalised epilepsy; EIG. Identifiers: MedGen C0270850, MONDO:0005579, OMIM 600669.

Submission:

Labcorp Genetics (formerly Invitae), Labcorp
Classification: Uncertain significance for Epilepsy, childhood absence 4; Epilepsy, idiopathic generalized, susceptibility to, 13; Idiopathic generalized epilepsy. Last evaluated: 2025-08-10. Review status: criteria provided, single submitter. Criteria: Invitae Variant Classification Sherloc (09022015). Collection method: clinical testing. Allele origin: germline.
Comment: This sequence change replaces arginine, which is basic and polar, with threonine, which is neutral and polar, at codon 282 of the GABRA1 protein (p.Arg282Thr). This variant is not present in population databases (gnomAD no frequency). This variant has not been reported in the literature in individuals affected with GABRA1-related conditions. Invitae Evidence Modeling of protein sequence and biophysical properties (such as structural, functional, and spatial information, amino acid conservation, physicochemical variation, residue mobility, and thermodynamic stability) indicates that this missense variant is expected to disrupt GABRA1 protein function with a positive predictive value of 95%. In summary, the available evidence is currently insufficient to determine the role of this variant in disease. Therefore, it has been classified as a Variant of Uncertain Significance.